The following is an entry in ClinVar:

ClinVar aggregate classification (germline): Likely pathogenic (1 of 4 stars; one submission).

Conditions:
Autosomal recessive polycystic kidney disease (ARPKD). Also called: AR polycystic kidney disease. Identifiers: Orphanet 731, Orphanet 8378, MedGen C0085548, MeSH D017044, MONDO:0009889.

Submission:

Labcorp Genetics (formerly Invitae), Labcorp
Classification: Likely pathogenic for Autosomal recessive polycystic kidney disease. Last evaluated: 2022-12-13. Review status: criteria provided, single submitter. Criteria: Invitae Variant Classification Sherloc (09022015). Collection method: clinical testing. Allele origin: germline.
Comment: In summary, the currently available evidence indicates that the variant is pathogenic, but additional data are needed to prove that conclusively. Therefore, this variant has been classified as Likely Pathogenic. This variant has not been reported in the literature in individuals affected with PKHD1-related conditions. This variant results in the deletion of part of exon 66 (c.11666-593_11752del) of the PKHD1 gene. It is expected to disrupt RNA splicing. Variants that disrupt the donor or acceptor splice site typically lead to a loss of protein function (PMID: 16199547), and loss-of-function variants in PKHD1 are known to be pathogenic (PMID: 19940839).

Literature cited by the submitters: PubMed 16199547; PubMed 19940839.

NM_138694.4(PKHD1):c.11666-593_11752del

Gene: PKHD1 (PKHD1 ciliary IPT domain containing fibrocystin/polyductin; minus strand). Cytogenetic location: 6p12.3.
Variant type: Deletion.
Coding change: c.11666-593_11752del on transcript NM_138694.4 (MANE Select); 593 bases into the intron before coding-DNA position 11666 through coding-DNA position 11752, 680 bases deleted.
Molecular consequence: splice acceptor variant.
Genome position (GRCh38, 1-based): chr6:51,627,030-51,627,709, 680 bases deleted. GRCh37 (hg19): chr6:51,491,829-51,492,508.
Identifiers: ClinVar variation 1067873 (VCV001067873.7), dbSNP rs2150277532, ClinGen allele CA2499218341.